The following is an entry in ClinVar:

NM_001211.6(BUB1B):c.3116G>A (p.Gly1039Glu)

Genes: BUB1B (BUB1 mitotic checkpoint serine/threonine kinase B; plus strand), BUB1B-PAK6 (BUB1B-PAK6 readthrough; plus strand). Cytogenetic location: 15q15.1.
Variant type: single nucleotide variant.
Coding change: c.3116G>A on transcript NM_001211.6 (MANE Select); coding-DNA position 3116, G replaced by A.
Protein change: p.Gly1039Glu; replaces glycine 1039 with glutamic acid.
Molecular consequence: missense variant. On other transcripts: intron variant (2).
Genome position (GRCh38, 1-based): chr15:40,220,722, G>A. VCF-style: chr15-40220722-G-A. GRCh37 (hg19) VCF-style: chr15-40512923-G-A.
Other names: c.-201+3055G>A (NM_001128628.3); c.-118+3055G>A (NM_001128629.3); short protein forms G1039E.
Identifiers: ClinVar variation 3221420 (VCV003221420.1), dbSNP rs2542594370, ClinGen allele CA391690464.

ClinVar aggregate classification (germline): Uncertain significance (1 of 4 stars; one submission).

Conditions:
Inborn genetic diseases. Identifiers: MedGen C0950123, MeSH D030342.

Submission:

Ambry Genetics
Classification: Uncertain significance for Inborn genetic diseases. Last evaluated: 2023-09-18. Review status: criteria provided, single submitter. Criteria: Ambry Variant Classification Scheme 2023. Collection method: clinical testing. Allele origin: germline.
Comment: The p.G1039E variant (also known as c.3116G>A), located in coding exon 23 of the BUB1B gene, results from a G to A substitution at nucleotide position 3116. The glycine at codon 1039 is replaced by glutamic acid, an amino acid with similar properties. This amino acid position is conserved. In addition, this alteration is predicted to be tolerated by in silico analysis. Since supporting evidence is limited at this time, the clinical significance of this alteration remains unclear.